The following is an entry in ClinVar:

ClinVar aggregate classification (germline): Uncertain significance (1 of 4 stars; one submission).

Conditions:
MEGF10-related myopathy (CMYO10A). Also called: Congenital myopathy 10A, severe variant. Identifiers: Orphanet 439212, MedGen C3280679, MONDO:0013731, OMIM 614399.

Allele frequency attached by ClinVar (database versions not stated): TOPMed below 0.00001; gnomAD exomes 0.00003 and 0.00013; ExAC 0.00016.
gnomAD v4.1: 45 of 1,613,210 alleles (0.0028%); highest among the groups gnomAD compares: East Asian, 0.094%; no homozygotes.

Submission:

Labcorp Genetics (formerly Invitae), Labcorp
Classification: Uncertain significance for MEGF10-related myopathy. Last evaluated: 2022-07-19. Review status: criteria provided, single submitter. Criteria: Invitae Variant Classification Sherloc (09022015). Collection method: clinical testing. Allele origin: germline.
Comment: This sequence change replaces cysteine, which is neutral and slightly polar, with tyrosine, which is neutral and polar, at codon 439 of the MEGF10 protein (p.Cys439Tyr). This variant is present in population databases (rs761883697, gnomAD 0.2%). This variant has not been reported in the literature in individuals affected with MEGF10-related conditions. ClinVar contains an entry for this variant (Variation ID: 1413779). Algorithms developed to predict the effect of missense changes on protein structure and function (SIFT, PolyPhen-2, Align-GVGD) all suggest that this variant is likely to be disruptive. In summary, the available evidence is currently insufficient to determine the role of this variant in disease. Therefore, it has been classified as a Variant of Uncertain Significance.

NM_001256545.2(MEGF10):c.1316G>A (p.Cys439Tyr)

Gene: MEGF10 (multiple EGF like domains 10; plus strand). Cytogenetic location: 5q23.2.
Variant type: single nucleotide variant.
Coding change: c.1316G>A on transcript NM_001256545.2 (MANE Select); coding-DNA position 1316, G replaced by A.
Protein change: p.Cys439Tyr; replaces cysteine 439 with tyrosine.
Molecular consequence: missense variant.
Genome position (GRCh38, 1-based): chr5:127,419,130, G>A. VCF-style: chr5-127419130-G-A. GRCh37 (hg19) VCF-style: chr5-126754822-G-A.
Other names: c.1316G>A, p.Cys439Tyr (NM_001308119.2, NM_001308121.2, NM_032446.3); short protein forms C439Y.
Identifiers: ClinVar variation 1413779 (VCV001413779.5), dbSNP rs761883697, ClinGen allele CA3391550.